The following is an entry in ClinVar:

ClinVar aggregate classification (germline): Uncertain significance. Review status: criteria provided, multiple submitters, no conflicts (2 of 4 stars). 4 submissions from 4 submitters: Uncertain significance (4). Last evaluated 2025-12-17.

Conditions:
Leukoencephalopathy with brain stem and spinal cord involvement-high lactate syndrome (LBSL). Also called: MITOCHONDRIAL ASPARTYL-tRNA SYNTHETASE DEFICIENCY; Leukoencephalopathy with Brainstem and Spinal Cord Involvement and Lactate Elevation; LEUKOENCEPHALOPATHY WITH BRAINSTEM AND SPINAL CORD INVOLVEMENT AND LACTATE ELEVATION, MILD. Identifiers: Orphanet 137898, MedGen C1970180, MONDO:0012622, OMIM 611105.
Inborn genetic diseases. Identifiers: MedGen C0950123, MeSH D030342.

Submissions (4):

Labcorp Genetics (formerly Invitae), Labcorp
Classification: Uncertain significance. Last evaluated: 2025-12-17. Review status: criteria provided, single submitter. Criteria: Invitae Variant Classification Sherloc (09022015). Collection method: clinical testing. Allele origin: germline.
Comment: This sequence change replaces aspartic acid, which is acidic and polar, with tyrosine, which is neutral and polar, at codon 461 of the DARS2 protein (p.Asp461Tyr). This variant is not present in population databases (gnomAD no frequency). This variant has not been reported in the literature in individuals affected with DARS2-related conditions. ClinVar contains an entry for this variant (Variation ID: 2037410). Invitae Evidence Modeling of protein sequence and biophysical properties (such as structural, functional, and spatial information, amino acid conservation, physicochemical variation, residue mobility, and thermodynamic stability) has been performed for this missense variant. However, the output from this modeling did not meet the statistical confidence thresholds required to predict the impact of this variant on DARS2 protein function. Algorithms developed to predict the effect of sequence changes on RNA splicing suggest that this variant may disrupt the consensus splice site. In summary, the available evidence is currently insufficient to determine the role of this variant in disease. Therefore, it has been classified as a Variant of Uncertain Significance.

Victorian Clinical Genetics Services, Murdoch Childrens Research Institute
Classification: Uncertain significance for Leukoencephalopathy with brain stem and spinal cord involvement-high lactate syndrome. Last evaluated: 2024-10-09. Review status: criteria provided, single submitter. Criteria: ACMG Guidelines, 2015. Collection method: clinical testing. Allele origin: germline. Inheritance: Autosomal recessive inheritance. Affected: yes.
Comment: Based on the classification scheme VCGS_Germline_v1.3.4, this variant is classified as VUS-3B. Following criteria are met: 0102 - Loss of function is a known mechanism of disease in this gene and is associated with leukoencephalopathy with brain stem and spinal cord involvement and lactate elevation (LBSL, MIM#611105). (I) 0106 - This gene is associated with autosomal recessive disease. (I) 0200 - Variant is predicted to result in a missense amino acid change from aspartic acid to tyrosine. (I) 0251 - This variant is heterozygous. (I) 0301 - Variant is absent from gnomAD (both v2 and v3). (SP) 0309 - An alternative amino acid change at the same position has been observed in gnomAD (v3) (2 heterozygotes, 0 homozygotes). (I) 0502 - Missense variant with conflicting in silico predictions and uninformative conservation. (I) 0600 - Variant is located in the annotated RNA synthetases class II (D, K and N) domain (DECIPHER). (I) 0710 - Another missense variant comparable to the one identified in this case has inconclusive previous evidence for pathogenicity. The variant p.(Asp461Glu) has been classified as a VUS in ClinVar. (I) 0809 - Previous evidence of pathogenicity for this variant is inconclusive. This variant has been classified as a VUS by multiple clinical laboratories in ClinVar. (I) 0905 - No published segregation evidence has been identified for this variant. (I) 1007 - No published functional evidence has been identified for this variant. (I) Legend: (SP) - Supporting pathogenic, (I) - Information, (SB) - Supporting benign

Genome-Nilou Lab
Classification: Uncertain significance for Leukoencephalopathy with brain stem and spinal cord involvement-high lactate syndrome. Last evaluated: 2023-04-11. Review status: criteria provided, single submitter. Criteria: ACMG Guidelines, 2015. Collection method: clinical testing. Allele origin: germline. Affected: no.

Ambry Genetics
Classification: Uncertain significance for Inborn genetic diseases. Last evaluated: 2022-09-06. Review status: criteria provided, single submitter. Criteria: Ambry Variant Classification Scheme 2023. Collection method: clinical testing. Allele origin: germline.
Comment: The c.1381G>T (p.D461Y) alteration is located in exon 14 (coding exon 14) of the DARS2 gene. This alteration results from a G to T substitution at nucleotide position 1381, causing the aspartic acid (D) at amino acid position 461 to be replaced by a tyrosine (Y). This variant was not reported in population-based cohorts in the Genome Aggregation Database (gnomAD). This amino acid position is not well conserved in available vertebrate species. This alteration is predicted to be tolerated by in silico analysis. Based on insufficient or conflicting evidence, the clinical significance of this alteration remains unclear.

NM_018122.5(DARS2):c.1381G>T (p.Asp461Tyr)

Gene: DARS2 (aspartyl-tRNA synthetase 2, mitochondrial; plus strand). Cytogenetic location: 1q25.1.
Variant type: single nucleotide variant.
Coding change: c.1381G>T on transcript NM_018122.5 (MANE Select); coding-DNA position 1381, G replaced by T.
Protein change: p.Asp461Tyr; replaces aspartic acid 461 with tyrosine.
Molecular consequence: missense variant.
Genome position (GRCh38, 1-based): chr1:173,853,385, G>T. VCF-style: chr1-173853385-G-T. GRCh37 (hg19) VCF-style: chr1-173822523-G-T.
Other names: c.1228G>T, p.Asp410Tyr (NM_001365212.1); short protein forms D461Y, D410Y.
Identifiers: ClinVar variation 2037410 (VCV002037410.7), dbSNP rs2525926644, ClinGen allele CA343766359.
Genomic context (GRCh38, chr1:173,853,385, plus strand): 5'-AATGTTTACGTCTTCTGTTTGCAGTGCTCTTTGTTAGGAAAATTACGACTGGAATGTGCT[G>T]ACCTTCTAGAAACAAGAGGAGTGGTGCTCCGTGACCCCACTCTGTTCTCTTTCCTTTGGG-3'
Protein context (NP_060592.2, residues 451-471): LLGKLRLECA[Asp461Tyr]LLETRGVVLR